The following is an entry in ClinVar:

NM_138927.4(SON):c.2499C>G (p.Ser833=)

Gene: SON (SON DNA and RNA binding protein; plus strand). Cytogenetic location: 21q22.11.
Variant type: single nucleotide variant.
Coding change: c.2499C>G on transcript NM_138927.4 (MANE Select); coding-DNA position 2499, C replaced by G.
Protein change: p.Ser833=; no amino-acid change (serine 833 retained).
Molecular consequence: synonymous variant. On other transcripts: non-coding transcript variant (1), intron variant (1).
Genome position (GRCh38, 1-based): chr21:33,551,730, C>G. VCF-style: chr21-33551730-C-G. GRCh37 (hg19) VCF-style: chr21-34924036-C-G.
Other names: c.2499C>G, p.Ser833= (NM_001291411.2, NM_001412133.1, NM_032195.3 and 2 more transcripts); c.244+5351C>G (NM_001291412.3).
Identifiers: ClinVar variation 2009407 (VCV002009407.28), dbSNP rs879111127, ClinGen allele CA512336912.

ClinVar aggregate classification (germline): Likely benign. Review status: criteria provided, multiple submitters, no conflicts (2 of 4 stars). 2 submissions from 2 submitters: Likely benign (2). Last evaluated 2022-06-22.

Allele frequency attached by ClinVar (database versions not stated): TOPMed below 0.00001.

Submissions (2):

Labcorp Genetics (formerly Invitae), Labcorp
Classification: Likely benign. Last evaluated: 2022-06-22. Review status: criteria provided, single submitter. Criteria: Invitae Variant Classification Sherloc (09022015). Collection method: clinical testing. Allele origin: germline.

CeGaT Center for Human Genetics Tuebingen
Classification: Likely benign. Last evaluated: 2022-04-01. Review status: criteria provided, single submitter. Criteria: CeGaT Center For Human Genetics Tuebingen Variant Classification Criteria Version 2. Collection method: clinical testing. Allele origin: germline. Affected: yes. Observed: 1 variant allele.
Comment: SON: PM2:Supporting, BP4, BP7